The following is an entry in ClinVar:

NM_145117.5(NAV2):c.2857A>C (p.Ser953Arg)

Gene: NAV2 (neuron navigator 2; plus strand). Cytogenetic location: 11p15.1.
Variant type: single nucleotide variant.
Coding change: c.2857A>C on transcript NM_145117.5 (MANE Select); coding-DNA position 2857, A replaced by C.
Protein change: p.Ser953Arg; replaces serine 953 with arginine.
Molecular consequence: missense variant.
Genome position (GRCh38, 1-based): chr11:20,036,047, A>C. VCF-style: chr11-20036047-A-C. GRCh37 (hg19) VCF-style: chr11-20057593-A-C.
Other names: c.2665A>C, p.Ser889Arg (NM_001111018.2); c.115A>C, p.Ser39Arg (NM_001111019.3); c.2926A>C, p.Ser976Arg (NM_001244963.2); c.2857A>C, p.Ser953Arg (NM_182964.6); c.2926A>C (NM_001244963.1); short protein forms S976R, S39R, S889R, S953R.
Identifiers: ClinVar variation 3402823 (VCV003402823.2).

ClinVar aggregate classification (germline): Uncertain significance. Review status: criteria provided, multiple submitters, no conflicts (2 of 4 stars). 2 submissions from 2 submitters: Uncertain significance (2). Last evaluated 2024-12-22.

Conditions:
NAV2-related disorder. Also called: NAV2-related condition.

gnomAD v4.1: 4 of 1,614,070 alleles (0.00025%); highest among the groups gnomAD compares: Admixed American, 0.0017%; no homozygotes.

Submissions (2):

PreventionGenetics, part of Exact Sciences
Classification: Uncertain significance for NAV2-related condition. Last evaluated: 2024-12-22. Review status: criteria provided, single submitter. Criteria: ACMG Guidelines, 2015. Collection method: clinical testing. Allele origin: germline.
Comment: The NAV2 c.2926A>C variant is predicted to result in the amino acid substitution p.Ser976Arg. To our knowledge, this variant has not been reported in the literature. This variant is reported in 0.0029% of alleles in individuals of Latino descent in gnomAD. At this time, the clinical significance of this variant is uncertain due to the absence of conclusive functional and genetic evidence.

Ambry Genetics
Classification: Uncertain significance. Last evaluated: 2024-10-09. Review status: criteria provided, single submitter. Criteria: Ambry Variant Classification Scheme 2023. Collection method: clinical testing. Allele origin: germline.